The following is an entry in ClinVar:

ClinVar aggregate classification (germline): Benign. Review status: criteria provided, multiple submitters, no conflicts (2 of 4 stars). 5 submissions from 5 submitters: Benign (5). Last evaluated 2026-02-03.

Conditions:
Epilepsy, childhood absence, susceptibility to, 1. Also called: Epilepsy, childhood absence 1. Identifiers: Orphanet 64280, MedGen C1838604, MONDO:0020759, OMIM 600131.
Epilepsy, childhood absence, susceptibility to, 5. Identifiers: Orphanet 64280, MedGen C2677087, MONDO:0012843, OMIM 612269.
Seizure. Also called: Seizures. Identifiers: MedGen C0036572, HP:0001250.

Allele frequency attached by ClinVar (database versions not stated): 1000 Genomes Project 30x 0.01827; TOPMed 0.01948; gnomAD 0.01699 and 0.01810; ExAC 0.00623; 1000 Genomes Project 0.01797; ESP Exome Variant Server 0.02253.
gnomAD v4.1: 6,117 of 1,614,086 alleles (0.38%); highest among the groups gnomAD compares: African/African-American, 5.7%; 124 homozygotes.

Submissions (5):

Labcorp Genetics (formerly Invitae), Labcorp
Classification: Benign for Epilepsy, childhood absence, susceptibility to, 5; Epilepsy, childhood absence, susceptibility to, 1. Last evaluated: 2026-02-03. Review status: criteria provided, single submitter. Criteria: Invitae Variant Classification Sherloc (09022015). Collection method: clinical testing. Allele origin: germline.

Ambry Genetics
Classification: Benign for Seizures. Last evaluated: 2016-07-28. Review status: criteria provided, single submitter. Criteria: Ambry Autosomal Dominant and X-Linked criteria (10/2015). Collection method: clinical testing. Allele origin: germline. Observed: 1 variant allele.

GeneDx
Classification: Benign. Last evaluated: 2016-01-28. Review status: criteria provided, single submitter. Criteria: GeneDx Variant Classification (06012015). Collection method: clinical testing. Allele origin: germline. Affected: yes.
Comment: This variant is considered likely benign or benign based on one or more of the following criteria: it is a conservative change, it occurs at a poorly conserved position in the protein, it is predicted to be benign by multiple in silico algorithms, and/or has population frequency not consistent with disease.

Breakthrough Genomics
Classification: Benign. Review status: criteria provided, single submitter. Criteria: ACMG Guidelines, 2015. Collection method: not provided. Allele origin: germline. Inheritance: Autosomal dominant inheritance. Affected: yes.

PreventionGenetics, part of Exact Sciences
Classification: Benign. Review status: criteria provided, single submitter. Criteria: ACMG Guidelines, 2015. Collection method: clinical testing. Allele origin: germline.

NM_000814.6(GABRB3):c.603C>T (p.Thr201=)

Gene: GABRB3 (gamma-aminobutyric acid type A receptor subunit beta3; minus strand). Cytogenetic location: 15q12.
Variant type: single nucleotide variant.
Coding change: c.603C>T on transcript NM_000814.6 (MANE Select); coding-DNA position 603, C replaced by T.
Protein change: p.Thr201=; no amino-acid change (threonine 201 retained).
Molecular consequence: synonymous variant.
Genome position (GRCh38, 1-based): chr15:26,580,398, G>A on the plus strand (C>T on the coding strand, the complement: GABRB3 is on the minus strand). VCF-style: chr15-26580398-G-A. GRCh37 (hg19) VCF-style: chr15-26825545-G-A.
Other names: c.348C>T, p.Thr116= (NM_001191320.2, NM_001278631.2); c.390C>T, p.Thr130= (NM_001191321.3); c.603C>T, p.Thr201= (NM_021912.5).
Identifiers: ClinVar variation 256820 (VCV000256820.15), dbSNP rs75965657, ClinGen allele CA7437401.